The following is an entry in ClinVar:

ClinVar aggregate classification (germline): Benign. Review status: criteria provided, single submitter (1 of 4 stars). 2 submissions from 2 submitters: Benign (1). 1 of the submissions does not count toward it. Last evaluated 2025-12-02.

Conditions:
Hereditary spastic paraplegia 75. Also called: Spastic paraplegia 75, autosomal recessive. Identifiers: Orphanet 459056, MedGen C4225250, MONDO:0014729, OMIM 616680.
MAG-related disorder. Also called: MAG-related condition.

Allele frequency attached by ClinVar (database versions not stated): gnomAD 0.00077 and 0.00068; gnomAD exomes 0.00007 and 0.00014; 1000 Genomes Project 30x 0.00016; ExAC 0.00016; 1000 Genomes Project 0.00020; ESP Exome Variant Server 0.00054; TOPMed 0.00076.

Submissions (2):

Labcorp Genetics (formerly Invitae), Labcorp
Classification: Benign for Hereditary spastic paraplegia 75. Last evaluated: 2025-12-02. Review status: criteria provided, single submitter. Criteria: Invitae Variant Classification Sherloc (09022015). Collection method: clinical testing. Allele origin: germline.

PreventionGenetics, part of Exact Sciences
Classification: Likely benign for MAG-related condition. Last evaluated: 2022-08-30. Review status: no assertion criteria provided. Collection method: clinical testing. Allele origin: germline. Not counted in ClinVar's aggregate classification.
Comment: This variant is classified as likely benign based on ACMG/AMP sequence variant interpretation guidelines (Richards et al. 2015 PMID: 25741868, with internal and published modifications).

NM_002361.4(MAG):c.966C>T (p.Val322=)

Gene: MAG (myelin associated glycoprotein; plus strand). Cytogenetic location: 19q13.12.
Variant type: single nucleotide variant.
Coding change: c.966C>T on transcript NM_002361.4 (MANE Select); coding-DNA position 966, C replaced by T.
Protein change: p.Val322=; no amino-acid change (valine 322 retained).
Molecular consequence: synonymous variant.
Genome position (GRCh38, 1-based): chr19:35,300,400, C>T. VCF-style: chr19-35300400-C-T. GRCh37 (hg19) VCF-style: chr19-35791303-C-T.
Other names: c.891C>T, p.Val297= (NM_001199216.2); c.966C>T, p.Val322= (NM_080600.3).
Identifiers: ClinVar variation 707741 (VCV000707741.10), dbSNP rs147226896, ClinGen allele CA9376131.